The following is an entry in ClinVar:

ClinVar aggregate classification (germline): Pathogenic (1 of 4 stars; one submission).

Submission:

GeneDx
Classification: Pathogenic. Last evaluated: 2024-06-20. Review status: criteria provided, single submitter. Criteria: GeneDx Variant Classification Process June 2021. Collection method: clinical testing. Allele origin: germline. Affected: yes.
Comment: Not observed at significant frequency in large population cohorts (gnomAD); In silico analysis supports a deleterious effect on splicing; Has not been previously published as pathogenic or benign to our knowledge

NM_133433.4(NIPBL):c.4560+5G>C

Gene: NIPBL (NIPBL cohesin loading factor; plus strand). Cytogenetic location: 5p13.2.
Variant type: single nucleotide variant.
Coding change: c.4560+5G>C on transcript NM_133433.4 (MANE Select); 5 bases into the intron after coding-DNA position 4560, G replaced by C.
Molecular consequence: intron variant.
Genome position (GRCh38, 1-based): chr5:37,010,230, G>C. VCF-style: chr5-37010230-G-C. GRCh37 (hg19) VCF-style: chr5-37010332-G-C.
Other names: c.4560+5G>C (NM_015384.5).
Identifiers: ClinVar variation 3391481 (VCV003391481.1).